The following is an entry in ClinVar:

NM_014271.4(IL1RAPL1):c.25A>G (p.Ile9Val)

Gene: IL1RAPL1 (interleukin 1 receptor accessory protein like 1; plus strand). Cytogenetic location: Xp21.3.
Variant type: single nucleotide variant.
Coding change: c.25A>G on transcript NM_014271.4 (MANE Select); coding-DNA position 25, A replaced by G.
Protein change: p.Ile9Val; replaces isoleucine 9 with valine.
Molecular consequence: missense variant.
Genome position (GRCh38, 1-based): chrX:28,789,368, A>G. VCF-style: chrX-28789368-A-G. GRCh37 (hg19) VCF-style: chrX-28807485-A-G.
Other names: short protein forms I9V.
Identifiers: ClinVar variation 2848853 (VCV002848853.3), dbSNP rs2518875104, ClinGen allele CA412631843.

ClinVar aggregate classification (germline): Uncertain significance (1 of 4 stars; one submission).

Allele frequency attached by ClinVar (database versions not stated): gnomAD exomes 0.00002.
gnomAD v4.1: 16 of 1,209,791 alleles (0.0013%); highest among the groups gnomAD compares: Non-Finnish European, 0.0018%; no homozygotes.

Submission:

Labcorp Genetics (formerly Invitae), Labcorp
Classification: Uncertain significance. Last evaluated: 2023-03-29. Review status: criteria provided, single submitter. Criteria: Invitae Variant Classification Sherloc (09022015). Collection method: clinical testing. Allele origin: germline.
Comment: In summary, the available evidence is currently insufficient to determine the role of this variant in disease. Therefore, it has been classified as a Variant of Uncertain Significance. An algorithm developed to predict the effect of missense changes on protein structure and function (PolyPhen-2) suggests that this variant is likely to be tolerated. This variant has not been reported in the literature in individuals affected with IL1RAPL1-related conditions. This variant is not present in population databases (gnomAD no frequency). This sequence change replaces isoleucine, which is neutral and non-polar, with valine, which is neutral and non-polar, at codon 9 of the IL1RAPL1 protein (p.Ile9Val).